The following is an entry in ClinVar:

ClinVar aggregate classification (germline): Likely benign. Review status: criteria provided, multiple submitters, no conflicts (2 of 4 stars). 2 submissions from 2 submitters: Likely benign (2). Last evaluated 2026-09-14.

Conditions:
VPS13B-related disorder. Also called: VPS13B-related condition.
Cohen syndrome (COH1). Also called: Cutis verticis gyrata, retinitis pigmentosa, and sensorineural deafness; PEPPER SYNDROME. Identifiers: Orphanet 193, MedGen C0265223, MONDO:0008999, OMIM 216550.

Submissions (2):

PreventionGenetics, part of Exact Sciences
Classification: Likely benign for VPS13B-related condition. Last evaluated: 2026-09-14. Review status: criteria provided, single submitter. Criteria: ACMG Guidelines, 2015. Collection method: clinical testing. Allele origin: germline.
Comment: This variant is classified as likely benign based on ACMG/AMP sequence variant interpretation guidelines (Richards et al. 2015 PMID: 25741868, with internal and published modifications).

Labcorp Genetics (formerly Invitae), Labcorp
Classification: Likely benign for Cohen syndrome. Last evaluated: 2019-11-04. Review status: criteria provided, single submitter. Criteria: Invitae Variant Classification Sherloc (09022015). Collection method: clinical testing. Allele origin: germline.

NM_152564.5(VPS13B):c.1323T>C (p.Pro441=)

Gene: VPS13B (vacuolar protein sorting 13 homolog B; plus strand). Cytogenetic location: 8q22.2.
Variant type: single nucleotide variant.
Coding change: c.1323T>C on transcript NM_152564.5 (MANE Select); coding-DNA position 1323, T replaced by C.
Protein change: p.Pro441=; no amino-acid change (proline 441 retained).
Molecular consequence: synonymous variant.
Genome position (GRCh38, 1-based): chr8:99,135,035, T>C. VCF-style: chr8-99135035-T-C. GRCh37 (hg19) VCF-style: chr8-100147263-T-C.
Other names: c.1323T>C (NM_152564.4); c.1323T>C, p.Pro441= (NM_015243.3, NM_017890.5).
Identifiers: ClinVar variation 1078412 (VCV001078412.10), dbSNP rs2132555095, ClinGen allele CA462421577.